The following is an entry in ClinVar:

ClinVar aggregate classification (germline): Uncertain significance (1 of 4 stars; one submission).

Allele frequency attached by ClinVar (database versions not stated): gnomAD exomes below 0.00001; ExAC 0.00001.

Submission:

CeGaT Center for Human Genetics Tuebingen
Classification: Uncertain significance. Last evaluated: 2023-09-01. Review status: criteria provided, single submitter. Criteria: CeGaT Center For Human Genetics Tuebingen Variant Classification Criteria Version 2. Collection method: clinical testing. Allele origin: germline. Affected: yes. Observed: 1 variant allele.
Comment: ZP3: PM2, BP4

NM_001110354.2(ZP3):c.309G>T (p.Met103Ile)

Gene: ZP3 (zona pellucida glycoprotein 3; plus strand). Cytogenetic location: 7q11.23.
Variant type: single nucleotide variant.
Coding change: c.309G>T on transcript NM_001110354.2 (MANE Select); coding-DNA position 309, G replaced by T.
Protein change: p.Met103Ile; replaces methionine 103 with isoleucine.
Molecular consequence: missense variant.
Genome position (GRCh38, 1-based): chr7:76,425,273, G>T. VCF-style: chr7-76425273-G-T. GRCh37 (hg19) VCF-style: chr7-76054590-G-T.
Other names: c.156G>T, p.Met52Ile (NM_007155.6); short protein forms M103I, M52I.
Identifiers: ClinVar variation 2583049 (VCV002583049.25), dbSNP rs745737938, ClinGen allele CA4307280.